The following is an entry in ClinVar:

ClinVar aggregate classification (germline): Likely benign (1 of 4 stars; one submission).

Allele frequency attached by ClinVar (database versions not stated): ESP Exome Variant Server 0.00008; gnomAD 0.00001; ExAC 0.00002; TOPMed 0.00002.
gnomAD v4.1: 10 of 1,614,116 alleles (0.00062%); highest among the groups gnomAD compares: Non-Finnish European, 0.00085%; no homozygotes.

Submission:

CeGaT Center for Human Genetics Tuebingen
Classification: Likely benign. Last evaluated: 2023-01-01. Review status: criteria provided, single submitter. Criteria: CeGaT Center For Human Genetics Tuebingen Variant Classification Criteria Version 2. Collection method: clinical testing. Allele origin: germline. Affected: yes. Observed: 1 variant allele.
Comment: KIF1C: BP4, BP7

NM_006612.6(KIF1C):c.1893G>T (p.Leu631=)

Genes: KIF1C (kinesin family member 1C; plus strand), LOC126862473 (CDK7 strongly-dependent group 2 enhancer GRCh37_chr17:4923264-4924463; plus strand). Cytogenetic location: 17p13.2.
Variant type: single nucleotide variant.
Coding change: c.1893G>T on transcript NM_006612.6 (MANE Select); coding-DNA position 1893, G replaced by T.
Protein change: p.Leu631=; no amino-acid change (leucine 631 retained).
Molecular consequence: synonymous variant.
Genome position (GRCh38, 1-based): chr17:5,020,634, G>T. VCF-style: chr17-5020634-G-T. GRCh37 (hg19) VCF-style: chr17-4923929-G-T.
Identifiers: ClinVar variation 2647285 (VCV002647285.24), dbSNP rs377151005, ClinGen allele CA8319138.